The following is an entry in ClinVar:

ClinVar aggregate classification (germline): Conflicting classifications of pathogenicity. Review status: criteria provided, conflicting classifications (1 of 4 stars). 4 submissions from 4 submitters: Uncertain significance (2); Likely benign (2). Last evaluated 2026-05-13.

Conditions:
Neurofibromatosis, type 1 (NF1). Also called: NEUROFIBROMATOSIS, TYPE I, SOMATIC; Peripheral type neurofibromatosis; VON RECKLINGHAUSEN DISEASE; Neurofibromatosis, type I. Identifiers: Orphanet 636, MedGen C0027831, MONDO:0018975, OMIM 162200. Disease mechanism: loss of function.

Allele frequency attached by ClinVar (database versions not stated): TOPMed below 0.00001; gnomAD exomes below 0.00001.
gnomAD v4.1: 2 of 1,611,952 alleles (0.00012%); highest among the groups gnomAD compares: Middle Eastern, 0.023%; no homozygotes.

Submissions (4):

Myriad Genetics, Inc.
Classification: Likely benign for Neurofibromatosis, type 1. Last evaluated: 2026-05-13. Review status: criteria provided, single submitter. Criteria: Myriad Autosomal Dominant, Autosomal Recessive and X-Linked Classification Criteria (2023). Collection method: clinical testing. Allele origin: unknown.
Comment: This variant is considered likely benign. This variant is intronic and is not expected to impact mRNA splicing.

Labcorp Genetics (formerly Invitae), Labcorp
Classification: Likely benign for Neurofibromatosis, type 1. Last evaluated: 2025-05-04. Review status: criteria provided, single submitter. Criteria: Invitae Variant Classification Sherloc (09022015). Collection method: clinical testing. Allele origin: germline.

Quest Diagnostics Nichols Institute San Juan Capistrano
Classification: Uncertain significance. Last evaluated: 2024-01-18. Review status: criteria provided, single submitter. Criteria: Quest Diagnostics criteria. Collection method: clinical testing. Allele origin: unknown.

Genome Diagnostics Laboratory, The Hospital for Sick Children
Classification: Uncertain significance for Neurofibromatosis, type 1. Last evaluated: 2020-10-26. Review status: criteria provided, single submitter. Criteria: ACMG Guidelines, 2015. Collection method: clinical testing. Allele origin: germline. Affected: yes.

NM_001042492.3(NF1):c.4578-8G>C

Gene: NF1 (neurofibromin 1; plus strand). Cytogenetic location: 17q11.2.
Variant type: single nucleotide variant.
Coding change: c.4578-8G>C on transcript NM_001042492.3 (MANE Select); 8 bases into the intron before coding-DNA position 4578, G replaced by C.
Molecular consequence: intron variant.
Genome position (GRCh38, 1-based): chr17:31,261,703, G>C. VCF-style: chr17-31261703-G-C. GRCh37 (hg19) VCF-style: chr17-29588721-G-C.
Other names: c.4515-8G>C (NM_000267.4).
Identifiers: ClinVar variation 798947 (VCV000798947.16), dbSNP rs375758486, ClinGen allele CA728053349.